The following is an entry in ClinVar:

ClinVar aggregate classification (germline): Conflicting classifications of pathogenicity. Review status: criteria provided, conflicting classifications (1 of 4 stars). 3 submissions from 3 submitters: Uncertain significance (2); Likely benign (1). Last evaluated 2026-04-24.

Conditions:
Cardiovascular phenotype. Identifiers: MedGen CN230736.
Brugada syndrome. Also called: Sudden unexpected nocturnal death syndrome; Sudden Unexplained Death Syndrome; Sudden Unexplained Nocturnal Death Syndrome (SUNDS); Sudden unexplained nocturnal death syndrome. Identifiers: Orphanet 130, MedGen C1142166, MONDO:0015263.

Allele frequency attached by ClinVar (database versions not stated): gnomAD 0.00004 and 0.00005; ExAC 0.00007; gnomAD exomes 0.00008 and 0.00012; TOPMed 0.00008; ESP Exome Variant Server 0.00023.
gnomAD v4.1: 177 of 1,614,022 alleles (0.011%); highest among the groups gnomAD compares: Non-Finnish European, 0.014%; no homozygotes.

Submissions (3):

Women's Health and Genetics/Laboratory Corporation of America, LabCorp
Classification: Uncertain significance. Last evaluated: 2026-04-24. Review status: criteria provided, single submitter. Criteria: LabCorp Variant Classification Summary - May 2015. Collection method: clinical testing. Allele origin: germline.
Comment: Variant summary: SCN10A c.2170T>G (p.Tyr724Asp) results in a non-conservative amino acid change in the encoded protein sequence. Algorithms developed to predict the effect of missense changes on protein structure and function all suggest that this variant is likely to be disruptive. The variant allele was found at a frequency of 7.6e-05 in 251348 control chromosomes. This frequency is not significantly higher than estimated for disease-causing variants in SCN10A, allowing no conclusion about variant significance. To our knowledge, no occurrence of c.2170T>G in individuals affected with SCN10A-related conditions and no experimental evidence demonstrating its impact on protein function have been reported. ClinVar contains an entry for this variant (Variation ID: 858004). Based on the evidence outlined above, the variant was classified as uncertain significance.

Labcorp Genetics (formerly Invitae), Labcorp
Classification: Uncertain significance for Brugada syndrome. Last evaluated: 2025-05-03. Review status: criteria provided, single submitter. Criteria: Invitae Variant Classification Sherloc (09022015). Collection method: clinical testing. Allele origin: germline.
Comment: This sequence change replaces tyrosine, which is neutral and polar, with aspartic acid, which is acidic and polar, at codon 724 of the SCN10A protein (p.Tyr724Asp). This variant is present in population databases (rs138751097, gnomAD 0.02%). This variant has not been reported in the literature in individuals affected with SCN10A-related conditions. ClinVar contains an entry for this variant (Variation ID: 858004). Invitae Evidence Modeling of protein sequence and biophysical properties (such as structural, functional, and spatial information, amino acid conservation, physicochemical variation, residue mobility, and thermodynamic stability) indicates that this missense variant is expected to disrupt SCN10A protein function with a positive predictive value of 80%. In summary, the available evidence is currently insufficient to determine the role of this variant in disease. Therefore, it has been classified as a Variant of Uncertain Significance.

Ambry Genetics
Classification: Likely benign for Cardiovascular phenotype. Last evaluated: 2019-10-23. Review status: criteria provided, single submitter. Criteria: Ambry Variant Classification Scheme 2023. Collection method: clinical testing. Allele origin: germline.

NM_006514.4(SCN10A):c.2170T>G (p.Tyr724Asp)

Gene: SCN10A (sodium voltage-gated channel alpha subunit 10; minus strand). Cytogenetic location: 3p22.2.
Variant type: single nucleotide variant.
Coding change: c.2170T>G on transcript NM_006514.4 (MANE Select); coding-DNA position 2170, T replaced by G.
Protein change: p.Tyr724Asp; replaces tyrosine 724 with aspartic acid.
Molecular consequence: missense variant.
Genome position (GRCh38, 1-based): chr3:38,739,625, A>C on the plus strand (T>G on the coding strand, the complement: SCN10A is on the minus strand). VCF-style: chr3-38739625-A-C. GRCh37 (hg19) VCF-style: chr3-38781116-A-C.
Other names: c.2170T>G, p.Tyr724Asp (NM_001293306.2); c.1876T>G, p.Tyr626Asp (NM_001293307.2); short protein forms Y626D, Y724D.
Identifiers: ClinVar variation 858004 (VCV000858004.7), dbSNP rs138751097, ClinGen allele CA2320615.